The following is an entry in ClinVar:

NM_001256789.3(CACNA1F):c.1988G>A (p.Gly663Asp)

Gene: CACNA1F (calcium voltage-gated channel subunit alpha1 F; minus strand). Cytogenetic location: Xp11.23.
Variant type: single nucleotide variant.
Coding change: c.1988G>A on transcript NM_001256789.3 (MANE Select); coding-DNA position 1988, G replaced by A.
Protein change: p.Gly663Asp; replaces glycine 663 with aspartic acid.
Molecular consequence: missense variant.
Genome position (GRCh38, 1-based): chrX:49,223,026, C>T on the plus strand (G>A on the coding strand, the complement: CACNA1F is on the minus strand). VCF-style: chrX-49223026-C-T. GRCh37 (hg19) VCF-style: chrX-49079485-C-T.
Other names: c.1826G>A, p.Gly609Asp (NM_001256790.3); c.2021G>A, p.Gly674Asp (NM_005183.4); short protein forms G609D, G663D, G674D.
Identifiers: ClinVar variation 3903161 (VCV003903161.1).

ClinVar aggregate classification (germline): Uncertain significance (1 of 4 stars; one submission).

Submission:

GeneDx
Classification: Uncertain significance. Last evaluated: 2024-12-06. Review status: criteria provided, single submitter. Criteria: GeneDx Variant Classification Process June 2021. Collection method: clinical testing. Allele origin: germline. Affected: yes.
Comment: In silico analysis supports that this missense variant has a deleterious effect on protein structure/function; Not observed at significant frequency in large population cohorts (gnomAD); This variant is associated with the following publications: (PMID: 15634789, 20213496, 19151588, 18836296, 23219801, 14973233, 11281458)